The following is an entry in ClinVar:

ClinVar aggregate classification (germline): Uncertain significance (1 of 4 stars; one submission).

Conditions:
Singleton-Merten syndrome 1 (SGMRT1). Also called: Widened medullary cavities of bone, aortic calcification, abnormal dentition, and muscular weakness; Syndrome of widened medullary cavities of the metacarpals and phalanges, aortic calcification and abnormal dentition. Identifiers: Orphanet 85191, MedGen C4225427, MONDO:0024535, OMIM 182250.
Aicardi-Goutieres syndrome 7 (AGS7). Identifiers: Orphanet 51, MedGen C3888244, MONDO:0014367, OMIM 615846.

gnomAD v4.1: 1 of 1,614,170 alleles (0.000062%); highest among the groups gnomAD compares: African/African-American, 0.0013%; no homozygotes.

Submission:

Labcorp Genetics (formerly Invitae), Labcorp
Classification: Uncertain significance for Aicardi-Goutieres syndrome 7; Singleton-Merten syndrome 1. Last evaluated: 2024-05-15. Review status: criteria provided, single submitter. Criteria: Invitae Variant Classification Sherloc (09022015). Collection method: clinical testing. Allele origin: germline.
Comment: This sequence change replaces leucine, which is neutral and non-polar, with arginine, which is basic and polar, at codon 73 of the IFIH1 protein (p.Leu73Arg). This variant is not present in population databases (gnomAD no frequency). This variant has not been reported in the literature in individuals affected with IFIH1-related conditions. Advanced modeling of protein sequence and biophysical properties (such as structural, functional, and spatial information, amino acid conservation, physicochemical variation, residue mobility, and thermodynamic stability) has been performed at Invitae for this missense variant, however the output from this modeling did not meet the statistical confidence thresholds required to predict the impact of this variant on IFIH1 protein function. In summary, the available evidence is currently insufficient to determine the role of this variant in disease. Therefore, it has been classified as a Variant of Uncertain Significance.

NM_022168.4(IFIH1):c.218T>G (p.Leu73Arg)

Gene: IFIH1 (interferon induced with helicase C domain 1; minus strand). Cytogenetic location: 2q24.2.
Variant type: single nucleotide variant.
Coding change: c.218T>G on transcript NM_022168.4 (MANE Select); coding-DNA position 218, T replaced by G.
Protein change: p.Leu73Arg; replaces leucine 73 with arginine.
Molecular consequence: missense variant.
Genome position (GRCh38, 1-based): chr2:162,318,090, A>C on the plus strand (T>G on the coding strand, the complement: IFIH1 is on the minus strand). VCF-style: chr2-162318090-A-C. GRCh37 (hg19) VCF-style: chr2-163174600-A-C.
Other names: short protein forms L73R.
Identifiers: ClinVar variation 3753644 (VCV003753644.2).